The following is an entry in ClinVar:

ClinVar aggregate classification (germline): Pathogenic (1 of 4 stars; one submission).

Conditions:
Osteogenesis imperfecta with normal sclerae, dominant form (OI4). Also called: OSTEOGENESIS IMPERFECTA, TYPE IV, WITH DENTINOGENESIS IMPERFECTA; Osteogenesis imperfecta type 4; Osteogenesis Imperfecta Type IV; OSTEOGENESIS IMPERFECTA WITH NORMAL SCLERAE; Common Variable Osteogenesis Imperfecta with Normal Sclerae. Identifiers: Orphanet 216820, Orphanet 666, MedGen C0268363, MONDO:0008148, OMIM 166220.

Submission:

Institute of Rare Diseases, West China Hospital, Sichuan University
Classification: Pathogenic for Osteogenesis imperfecta with normal sclerae, dominant form. Last evaluated: 2025-01-09. Review status: criteria provided, single submitter. Criteria: ClinGen HL ACMG Specifications v1. Collection method: research. Allele origin: germline. Affected: yes.
Comment: PVS1;PS2;PM2_Supporting

NM_000088.4(COL1A1):c.43del (p.Ala15fs)

Gene: COL1A1 (collagen type I alpha 1 chain; minus strand). Cytogenetic location: 17q21.33.
Variant type: Deletion.
Coding change: c.43del on transcript NM_000088.4 (MANE Select); coding-DNA position 43, one base deleted (G; older notation c.43delG).
Protein change: p.Ala15fs; shifts the reading frame from alanine 15.
Molecular consequence: frameshift variant.
Genome position (GRCh38, 1-based): chr17:50,201,471, C deleted on the plus strand (G on the coding strand, the reverse complement: COL1A1 is on the minus strand); the first of 2 consecutive C bases (chr17:50,201,471-50,201,472); deleting either gives the same sequence. VCF-style (leftmost placement, unchanged base first): chr17-50201470-GC-G. GRCh37 (hg19) VCF-style: chr17-48278831-GC-G.
Other names: short protein forms A15fs.
Identifiers: ClinVar variation 3601066 (VCV003601066.1).
Genomic context (GRCh38, chr17:50,201,470, plus strand): 5'-CTGTCTTCGTCTTGGCCCTCGACTTGGCCTTCCTCTTGGCCGTGCGTCAGGAGGGCGGTG[GC>G]CGCTAAGAGGAGCAGGAGCCGGAGGTCCACAAAGCTGAACATGTCTAGACCCTAGACATG-3'